The following is an entry in ClinVar:

ClinVar aggregate classification (germline): Uncertain significance (1 of 4 stars; one submission).

Conditions:
Inborn genetic diseases. Identifiers: MedGen C0950123, MeSH D030342.

gnomAD v4.1: 1 of 1,614,028 alleles (0.000062%); highest among the groups gnomAD compares: African/African-American, 0.0013%; no homozygotes.

Submission:

Ambry Genetics
Classification: Uncertain significance for Inborn genetic diseases. Last evaluated: 2026-05-11. Review status: criteria provided, single submitter. Criteria: Ambry Variant Classification Scheme 2023. Collection method: clinical testing. Allele origin: germline.
Comment: The c.4249G>A (p.D1417N) alteration is located in exon 19 (coding exon 19) of the MED13L gene. This alteration results from a G to A substitution at nucleotide position 4249, causing the aspartic acid (D) at amino acid position 1417 to be replaced by an asparagine (N). Based on data from gnomAD, the A allele has an overall frequency of <0.001% (1/251184) total alleles studied. The highest observed frequency was 0.006% (1/16256) of African alleles. Based on insufficient or conflicting evidence, the clinical significance of this alteration remains unclear.

NM_015335.5(MED13L):c.4249G>A (p.Asp1417Asn)

Gene: MED13L (mediator complex subunit 13L; minus strand). Cytogenetic location: 12q24.21.
Variant type: single nucleotide variant.
Coding change: c.4249G>A on transcript NM_015335.5 (MANE Select); coding-DNA position 4249, G replaced by A.
Protein change: p.Asp1417Asn; replaces aspartic acid 1417 with asparagine.
Molecular consequence: missense variant.
Genome position (GRCh38, 1-based): chr12:115,986,355, C>T on the plus strand (G>A on the coding strand, the complement: MED13L is on the minus strand). VCF-style: chr12-115986355-C-T. GRCh37 (hg19) VCF-style: chr12-116424160-C-T.
Other names: short protein forms D1417N.
Identifiers: ClinVar variation 4859861 (VCV004859861.1).
Genomic context (GRCh38, chr12:115,986,355, plus strand): 5'-AAGTTTTGGCTCCTTCGAGCAAGGCCTCATTTTCTGGACACACCACAATATAGGCAACAT[C>T]ACGGTGGCCCCCATATGGGTCCAACAAGAGCCTCTCCCAAAACGGCAAGGAGAATGGCGA-3'
Protein context (NP_056150.1, residues 1407-1427): LLLDPYGGHR[Asp1417Asn]VAYIVVCPEN